The following is an entry in ClinVar:

NM_000455.5(STK11):c.1118C>G (p.Pro373Arg)

Gene: STK11 (serine/threonine kinase 11; plus strand). Cytogenetic location: 19p13.3.
Variant type: single nucleotide variant.
Coding change: c.1118C>G on transcript NM_000455.5 (MANE Select); coding-DNA position 1118, C replaced by G.
Protein change: p.Pro373Arg; replaces proline 373 with arginine.
Molecular consequence: missense variant. On other transcripts: non-coding transcript variant (1).
Genome position (GRCh38, 1-based): chr19:1,226,463, C>G. VCF-style: chr19-1226463-C-G. GRCh37 (hg19) VCF-style: chr19-1226462-C-G.
Other names: short protein forms P373R.
Identifiers: ClinVar variation 4747137 (VCV004747137.1).

ClinVar aggregate classification (germline): Uncertain significance (1 of 4 stars; one submission).

Conditions:
Peutz-Jeghers syndrome (PJS). Also called: POLYPOSIS, HAMARTOMATOUS INTESTINAL; POLYPS-AND-SPOTS SYNDROME; Peutz-Jeghers polyposis; Periorificial lentiginosis syndrome. Identifiers: Orphanet 2869, MedGen C0031269, MeSH D010580, MONDO:0008280, OMIM 175200.

Submission:

Labcorp Genetics (formerly Invitae), Labcorp
Classification: Uncertain significance for Peutz-Jeghers syndrome. Last evaluated: 2025-10-12. Review status: criteria provided, single submitter. Criteria: Invitae Variant Classification Sherloc (09022015). Collection method: clinical testing. Allele origin: germline.
Comment: This sequence change replaces proline, which is neutral and non-polar, with arginine, which is basic and polar, at codon 373 of the STK11 protein (p.Pro373Arg). This variant is not present in population databases (gnomAD no frequency). This variant has not been reported in the literature in individuals affected with STK11-related conditions. Invitae Evidence Modeling of protein sequence and biophysical properties (such as structural, functional, and spatial information, amino acid conservation, physicochemical variation, residue mobility, and thermodynamic stability) indicates that this missense variant is not expected to disrupt STK11 protein function with a negative predictive value of 95%. In summary, the available evidence is currently insufficient to determine the role of this variant in disease. Therefore, it has been classified as a Variant of Uncertain Significance.